The following is an entry in ClinVar:

NM_001778.4(CD48):c.668T>C (p.Val223Ala)

Gene: CD48 (CD48 molecule; minus strand). Cytogenetic location: 1q23.3.
Variant type: single nucleotide variant.
Coding change: c.668T>C on transcript NM_001778.4 (MANE Select); coding-DNA position 668, T replaced by C.
Protein change: p.Val223Ala; replaces valine 223 with alanine.
Molecular consequence: missense variant.
Genome position (GRCh38, 1-based): chr1:160,679,116, A>G on the plus strand (T>C on the coding strand, the complement: CD48 is on the minus strand). VCF-style: chr1-160679116-A-G. GRCh37 (hg19) VCF-style: chr1-160648906-A-G.
Other names: p.Val223Ala; short protein forms V223A.
Identifiers: ClinVar variation 4541792 (VCV004541792.1).
Genomic context (GRCh38, chr1:160,679,116, plus strand): 5'-GTAAGTAACAGGCCAAGAATGGTGGGCACCGTGACCACTAGCCAACTTGCAATCCATTCT[A>G]CTCCAAAGGACCGGGCTGAAAGAGCAAGAAAACCCTATATGCTTAGGTATCTTTATCTTG-3'
Protein context (NP_001769.2, residues 213-233): PPCTLARSFG[Val223Ala]EWIASWLVVT

ClinVar aggregate classification (germline): Uncertain significance (1 of 4 stars; one submission).

gnomAD v4.1: 2 of 1,614,074 alleles (0.00012%); highest among the groups gnomAD compares: Middle Eastern, 0.017%; no homozygotes.

Submission:

Mayo Clinic Laboratories, Mayo Clinic
Classification: Uncertain significance. Last evaluated: 2025-01-08. Review status: criteria provided, single submitter. Criteria: ACMG Guidelines, 2015. Collection method: clinical testing. Allele origin: germline. Observed: 1 variant allele.
Comment: BP4, PM2_supporting